The following is an entry in ClinVar:

NM_000038.6(APC):c.5973G>A (p.Glu1991=)

Gene: APC (APC regulator of Wnt signaling pathway; plus strand). Cytogenetic location: 5q22.2.
Variant type: single nucleotide variant.
Coding change: c.5973G>A on transcript NM_000038.6 (MANE Select); coding-DNA position 5973, G replaced by A.
Protein change: p.Glu1991=; no amino-acid change (glutamic acid 1991 retained).
Molecular consequence: synonymous variant.
Genome position (GRCh38, 1-based): chr5:112,841,567, G>A. VCF-style: chr5-112841567-G-A. GRCh37 (hg19) VCF-style: chr5-112177264-G-A.
Other names: c.5973G>A, p.Glu1991= (NM_001127510.3, NM_001354895.2); c.5919G>A, p.Glu1973= (NM_001127511.3); c.6027G>A, p.Glu2009= (NM_001354896.2); c.6003G>A, p.Glu2001= (NM_001354897.2); c.5898G>A, p.Glu1966= (NM_001354898.2); c.5889G>A, p.Glu1963= (NM_001354899.2); c.5850G>A, p.Glu1950= (NM_001354900.2); c.5796G>A, p.Glu1932= (NM_001354901.2); and 5 more.
Identifiers: ClinVar variation 763690 (VCV000763690.11), dbSNP rs1580666230, ClinGen allele CA446210099.

ClinVar aggregate classification (germline): Benign/Likely benign. Review status: criteria provided, multiple submitters, no conflicts (2 of 4 stars). 2 submissions from 2 submitters: Benign (1); Likely benign (1). Last evaluated 2024-04-03.

Conditions:
Familial adenomatous polyposis 1 (FAP1). Also called: FAMILIAL ADENOMATOUS POLYPOSIS 1, ATTENUATED; POLYPOSIS, ADENOMATOUS INTESTINAL. Identifiers: MedGen C2713442, MONDO:0021056, OMIM 175100. Disease mechanism: loss of function.

Submissions (2):

Myriad Genetics, Inc.
Classification: Benign for Familial adenomatous polyposis 1. Last evaluated: 2024-04-03. Review status: criteria provided, single submitter. Criteria: Myriad Autosomal Dominant, Autosomal Recessive and X-Linked Classification Criteria (2023). Collection method: clinical testing. Allele origin: unknown.
Comment: This variant is considered benign. This variant is a silent/synonymous amino acid change and it is not expected to impact splicing.

Labcorp Genetics (formerly Invitae), Labcorp
Classification: Likely benign for Familial adenomatous polyposis 1. Last evaluated: 2022-07-17. Review status: criteria provided, single submitter. Criteria: Invitae Variant Classification Sherloc (09022015). Collection method: clinical testing. Allele origin: germline.